The following is an entry in ClinVar:

NM_004606.5(TAF1):c.1439G>A (p.Arg480His)

Gene: TAF1 (TATA-box binding protein associated factor 1; plus strand). Cytogenetic location: Xq13.1.
Variant type: single nucleotide variant.
Coding change: c.1439G>A on transcript NM_004606.5 (MANE Select); coding-DNA position 1439, G replaced by A.
Protein change: p.Arg480His; replaces arginine 480 with histidine.
Molecular consequence: missense variant. On other transcripts: non-coding transcript variant (9).
Genome position (GRCh38, 1-based): chrX:71,381,821, G>A. VCF-style: chrX-71381821-G-A. GRCh37 (hg19) VCF-style: chrX-70601671-G-A.
Other names: c.1439G>A, p.Arg480His (NM_001286074.2); c.1376G>A, p.Arg459His (NM_138923.4); short protein forms R480H, R459H.
Identifiers: ClinVar variation 2042434 (VCV002042434.4), dbSNP rs756449021, ClinGen allele CA10446711.
Genomic context (GRCh38, chrX:71,381,821, plus strand): 5'-ATGATGACAAACCTTGGTACTCCATTTTTCCCATTGACAATGAGGATCTGGTATATGGAC[G>A]CTGGGAGGACAATATCATTTGGGATGCTCAGGCCATGCCCCGGCTGTTGGAACCTCCTGT-3'
Protein context (NP_004597.3, residues 470-490): PIDNEDLVYG[Arg480His]WEDNIIWDAQ

ClinVar aggregate classification (germline): Uncertain significance (1 of 4 stars; one submission).

Allele frequency attached by ClinVar (database versions not stated): gnomAD 0.00002; ExAC 0.00003; TOPMed 0.00003; gnomAD exomes 0.00009.
gnomAD v4.1: 97 of 1,203,070 alleles (0.0081%); highest among the groups gnomAD compares: Non-Finnish European, 0.01%; 1 homozygote.

Submission:

Labcorp Genetics (formerly Invitae), Labcorp
Classification: Uncertain significance. Last evaluated: 2025-11-13. Review status: criteria provided, single submitter. Criteria: Invitae Variant Classification Sherloc (09022015). Collection method: clinical testing. Allele origin: germline.
Comment: This sequence change replaces arginine, which is basic and polar, with histidine, which is basic and polar, at codon 500 of the TAF1 protein (p.Arg500His). The frequency data for this variant in the population databases is considered unreliable, as metrics indicate poor data quality at this position in the gnomAD database. This variant has not been reported in the literature in individuals affected with TAF1-related conditions. ClinVar contains an entry for this variant (Variation ID: 2042434). Invitae Evidence Modeling of protein sequence and biophysical properties (such as structural, functional, and spatial information, amino acid conservation, physicochemical variation, residue mobility, and thermodynamic stability) indicates that this missense variant is not expected to disrupt TAF1 protein function with a negative predictive value of 80%. Algorithms developed to predict the effect of sequence changes on RNA splicing suggest that this variant may disrupt the consensus splice site. In summary, the available evidence is currently insufficient to determine the role of this variant in disease. Therefore, it has been classified as a Variant of Uncertain Significance.